The following is an entry in ClinVar:

ClinVar aggregate classification (germline): Uncertain significance. Review status: criteria provided, multiple submitters, no conflicts (2 of 4 stars). 4 submissions from 4 submitters: Uncertain significance (4). Last evaluated 2024-11-28.

Conditions:
ATM-related cancer predisposition. Also called: ATM-related cancer susceptibility. Identifiers: MedGen CN377759, MONDO:0700270.
Ataxia-telangiectasia syndrome (AT). Also called: ATAXIA-TELANGIECTASIA, COMPLEMENTATION GROUP A; ATAXIA-TELANGIECTASIA, FRESNO VARIANT; Ataxia-telangiectasia; Ataxia-telangiectasia, complementation group E; LOUIS-BAR SYNDROME; Cerebello-oculocutaneous telangiectasia. Identifiers: Orphanet 100, MedGen C0004135, MONDO:0008840, OMIM 208900.
Hereditary cancer-predisposing syndrome. Also called: Tumor predisposition; Hereditary Cancer Syndrome; Hereditary neoplastic syndrome; Neoplastic Syndromes, Hereditary. Identifiers: Orphanet 140162, MedGen C0027672, MeSH D009386, MONDO:0015356.

Submissions (4):

Ambry Genetics
Classification: Uncertain significance for Hereditary cancer-predisposing syndrome. Last evaluated: 2024-11-28. Review status: criteria provided, single submitter. Criteria: Ambry Variant Classification Scheme 2023. Collection method: clinical testing. Allele origin: germline.
Comment: The p.L1955F variant (also known as c.5865A>C), located in coding exon 38 of the ATM gene, results from an A to C substitution at nucleotide position 5865. The leucine at codon 1955 is replaced by phenylalanine, an amino acid with highly similar properties. This amino acid position is conserved. In addition, the in silico prediction for this alteration is inconclusive. Based on the available evidence, the clinical significance of this variant remains unclear.

Labcorp Genetics (formerly Invitae), Labcorp
Classification: Uncertain significance for Ataxia-telangiectasia syndrome. Last evaluated: 2024-11-15. Review status: criteria provided, single submitter. Criteria: Invitae Variant Classification Sherloc (09022015). Collection method: clinical testing. Allele origin: germline.
Comment: This sequence change replaces leucine, which is neutral and non-polar, with phenylalanine, which is neutral and non-polar, at codon 1955 of the ATM protein (p.Leu1955Phe). This variant is not present in population databases (gnomAD no frequency). This variant has not been reported in the literature in individuals affected with ATM-related conditions. ClinVar contains an entry for this variant (Variation ID: 2096834). Invitae Evidence Modeling of protein sequence and biophysical properties (such as structural, functional, and spatial information, amino acid conservation, physicochemical variation, residue mobility, and thermodynamic stability) indicates that this missense variant is not expected to disrupt ATM protein function with a negative predictive value of 95%. In summary, the available evidence is currently insufficient to determine the role of this variant in disease. Therefore, it has been classified as a Variant of Uncertain Significance.

GeneDx
Classification: Uncertain significance. Last evaluated: 2023-10-17. Review status: criteria provided, single submitter. Criteria: GeneDx Variant Classification Process June 2021. Collection method: clinical testing. Allele origin: germline. Affected: yes.
Comment: Not observed at significant frequency in large population cohorts (gnomAD); In silico analysis supports that this missense variant has a deleterious effect on protein structure/function; Has not been previously published as pathogenic or benign to our knowledge

Department of Pathology and Laboratory Medicine, Sinai Health System
Classification: Uncertain significance for ATM-related cancer predisposition. Last evaluated: 2022-07-28. Review status: criteria provided, single submitter. Criteria: ACMG Guidelines, 2015. Collection method: clinical testing. Allele origin: germline. Affected: no.

NM_000051.4(ATM):c.5865A>C (p.Leu1955Phe)

Genes: ATM (ATM serine/threonine kinase; plus strand), C11orf65 (chromosome 11 open reading frame 65; minus strand). Cytogenetic location: 11q22.3.
Variant type: single nucleotide variant.
Coding change: c.5865A>C on transcript NM_000051.4 (MANE Select); coding-DNA position 5865, A replaced by C.
Protein change: p.Leu1955Phe; replaces leucine 1955 with phenylalanine.
Molecular consequence: missense variant. On other transcripts: intron variant (2).
Genome position (GRCh38, 1-based): chr11:108,310,262, A>C. VCF-style: chr11-108310262-A-C. GRCh37 (hg19) VCF-style: chr11-108180989-A-C.
Other names: c.5865A>C, p.Leu1955Phe (NM_001351834.2); c.641-1191T>G (NM_001330368.2); c.*39-1191T>G (NM_001351110.2); short protein forms L1955F.
Identifiers: ClinVar variation 2096834 (VCV002096834.7), dbSNP rs1555110432, ClinGen allele CA382548490.